The following is an entry in ClinVar:

ClinVar aggregate classification (germline): Uncertain significance (1 of 4 stars; one submission).

Conditions:
EGFR-related lung cancer (EGFR). Identifiers: MedGen CN130014.

gnomAD v4.1: 1 of 1,610,102 alleles (0.000062%); highest among the groups gnomAD compares: Non-Finnish European, 0.000085%; no homozygotes.

Submission:

Labcorp Genetics (formerly Invitae), Labcorp
Classification: Uncertain significance for EGFR-related lung cancer. Last evaluated: 2024-10-27. Review status: criteria provided, single submitter. Criteria: Invitae Variant Classification Sherloc (09022015). Collection method: clinical testing. Allele origin: germline.
Comment: This sequence change replaces arginine, which is basic and polar, with methionine, which is neutral and non-polar, at codon 686 of the EGFR protein (p.Arg686Met). This variant is not present in population databases (gnomAD no frequency). This variant has not been reported in the literature in individuals affected with EGFR-related conditions. Invitae Evidence Modeling of protein sequence and biophysical properties (such as structural, functional, and spatial information, amino acid conservation, physicochemical variation, residue mobility, and thermodynamic stability) indicates that this missense variant is not expected to disrupt EGFR protein function with a negative predictive value of 80%. In summary, the available evidence is currently insufficient to determine the role of this variant in disease. Therefore, it has been classified as a Variant of Uncertain Significance.

NM_005228.5(EGFR):c.2057G>T (p.Arg686Met)

Gene: EGFR (epidermal growth factor receptor; plus strand). Cytogenetic location: 7p11.2.
Variant type: single nucleotide variant.
Coding change: c.2057G>T on transcript NM_005228.5 (MANE Select); coding-DNA position 2057, G replaced by T.
Protein change: p.Arg686Met; replaces arginine 686 with methionine.
Molecular consequence: missense variant.
Genome position (GRCh38, 1-based): chr7:55,173,120, G>T. VCF-style: chr7-55173120-G-T. GRCh37 (hg19) VCF-style: chr7-55240813-G-T.
Other names: c.1898G>T, p.Arg633Met (NM_001346900.2); c.1256G>T, p.Arg419Met (NM_001346941.2); c.1922G>T, p.Arg641Met (NM_001346897.2, NM_001346899.2); c.2057G>T, p.Arg686Met (NM_001346898.2); short protein forms R419M, R633M, R641M, R686M.
Identifiers: ClinVar variation 3660921 (VCV003660921.2).